The following is an entry in ClinVar:

ClinVar aggregate classification (germline): Conflicting classifications of pathogenicity. Review status: criteria provided, conflicting classifications (1 of 4 stars). 13 submissions from 13 submitters: Uncertain significance (5); Likely benign (7). 1 of the submissions does not count toward it. Last evaluated 2026-01-26.

Conditions:
Juvenile polyposis syndrome (JPS). Identifiers: Orphanet 2929, MedGen C0345893, MONDO:0017380, OMIM 174900.
Hereditary cancer-predisposing syndrome. Also called: Tumor predisposition; Neoplastic Syndromes, Hereditary; Hereditary neoplastic syndrome; Hereditary Cancer Syndrome. Identifiers: Orphanet 140162, MedGen C0027672, MeSH D009386, MONDO:0015356.
Generalized juvenile polyposis/juvenile polyposis coli. Also called: Juvenile polyposis coli. Identifiers: Orphanet 329971, MedGen C1868081, MONDO:0008276.

Allele frequency attached by ClinVar (database versions not stated): gnomAD 0.00007; ESP Exome Variant Server 0.00008; TOPMed 0.00012.

Submissions (13):

Labcorp Genetics (formerly Invitae), Labcorp
Classification: Likely benign for Juvenile polyposis syndrome. Last evaluated: 2026-01-26. Review status: criteria provided, single submitter. Criteria: Invitae Variant Classification Sherloc (09022015). Collection method: clinical testing. Allele origin: germline.

Women's Health and Genetics/Laboratory Corporation of America, LabCorp
Classification: Likely benign. Last evaluated: 2025-07-21. Review status: criteria provided, single submitter. Criteria: LabCorp Variant Classification Summary - May 2015. Collection method: clinical testing. Allele origin: germline.
Comment: Variant summary: BMPR1A c.499A>G (p.Met167Val) results in a conservative amino acid change in the encoded protein sequence. Algorithms developed to predict the effect of missense changes on protein structure and function are either unavailable or do not agree on the potential impact of this missense change. The variant allele was found at a frequency of 6e-05 in 251294 control chromosomes. The observed variant frequency is approximately 30-fold of the estimated maximal expected allele frequency for a pathogenic variant in BMPR1A causing Juvenile Polyposis Syndrome phenotype (2e-06). c.499A>G has been observed in individuals affected with breast and/or ovarian cancer, colorectal cancer, or Lynch syndrome (e.g. Tung_2015, Maxwell_2016, Yurgelun_2017, Schubert_2019, Ferrer-Avargues_2021). One of the reports classified the variant as Likely Benign based on evidence of non-segregation with disease (breast and/or ovarian cancer) following familial studies (Maxwell_2016) and another reported the variant in an individual with Lynch syndrome who had a co-occurring pathogenic variant in MLH1 (Ferrer-Avargues_2021). These reports do not provide unequivocal conclusions about association of the variant with Juvenile Polyposis Syndrome. To our knowledge, no experimental evidence demonstrating an impact on protein function has been reported. The following publications have been ascertained in the context of this evaluation (PMID: 33630411, 27153395, 30426508, 31159747, 25186627, 25980754, 28135145). ClinVar contains an entry for this variant (Variation ID: 188242). Based on the evidence outlined above, the variant was classified as likely benign.

Center for Genomic Medicine, Rigshospitalet, Copenhagen University Hospital
Classification: Uncertain significance. Last evaluated: 2025-03-04. Review status: criteria provided, single submitter. Criteria: ACMG Guidelines, 2015. Collection method: clinical testing. Allele origin: germline.

GeneDx
Classification: Uncertain significance. Last evaluated: 2024-04-28. Review status: criteria provided, single submitter. Criteria: GeneDx Variant Classification Process June 2021. Collection method: clinical testing. Allele origin: germline. Affected: yes.
Comment: Observed in individuals with a personal or family history of colorectal, breast, or other cancers (PMID: 27153395, 25186627, 25980754, 28135145); In silico analysis indicates that this missense variant does not alter protein structure/function; This variant is associated with the following publications: (PMID: 28135145, 25980754, 25186627, 27153395, 31159747, 31668570, 28119430, 30426508)

Blueprint Genetics
Classification: Likely benign. Last evaluated: 2023-09-25. Review status: criteria provided, single submitter. Criteria: ACMG Guidelines, 2015. Collection method: clinical testing. Allele origin: germline.

Myriad Genetics, Inc.
Classification: Uncertain significance for Juvenile polyposis syndrome. Last evaluated: 2023-03-02. Review status: criteria provided, single submitter. Criteria: Myriad Autosomal Dominant, Autosomal Recessive and X-Linked Classification Criteria (2023). Collection method: clinical testing. Allele origin: unknown.
Comment: This variant is classified as a variant of uncertain significance as there is insufficient evidence to determine its impact on protein function and/or cancer risk.

Quest Diagnostics Nichols Institute San Juan Capistrano
Classification: Likely benign. Last evaluated: 2022-05-11. Review status: criteria provided, single submitter. Criteria: Quest Diagnostics criteria. Collection method: clinical testing. Allele origin: unknown.

St. Jude Molecular Pathology, St. Jude Children's Research Hospital
Classification: Uncertain significance for Juvenile polyposis syndrome. Last evaluated: 2021-05-13. Review status: criteria provided, single submitter. Criteria: St. Jude Assertion Criteria 2020. Collection method: clinical testing. Allele origin: germline.
Comment: The BMPR1A c.499A>G (p.Met167Val) missense change has a maximum subpopulation frequency of 0.016% in gnomAD v2.1.1. Six of seven in silico tools predict a benign effect of this variant on protein function (BP4), but to our knowledge these predictions have not been confirmed by functional assays. This variant has been reported in at least one individual with colorectal cancer (PMID: 28135145) and in individuals with breast and/or ovarian cancer (PMID: 31159747). In summary, this variant meets criteria to be classified as of uncertain significance based on the ACMG/AMP criteria: BP4.

Color Diagnostics, LLC DBA Color Health
Classification: Likely benign for Hereditary cancer-predisposing syndrome. Last evaluated: 2021-03-16. Review status: criteria provided, single submitter. Criteria: ACMG Guidelines, 2015. Collection method: clinical testing. Allele origin: germline.

Sema4
Classification: Likely benign for Hereditary cancer-predisposing syndrome. Last evaluated: 2020-12-26. Review status: criteria provided, single submitter. Criteria: Sema4 Curation Guidelines. Collection method: curation. Allele origin: germline.

Ambry Genetics
Classification: Likely benign for Hereditary cancer-predisposing syndrome. Last evaluated: 2018-09-20. Review status: criteria provided, single submitter. Criteria: Ambry Variant Classification Scheme 2023. Collection method: clinical testing. Allele origin: germline.

GeneKor MSA
Classification: Uncertain significance for Hereditary cancer-predisposing syndrome. Last evaluated: 2018-08-01. Review status: criteria provided, single submitter. Criteria: ACMG Guidelines, 2015. Collection method: clinical testing. Allele origin: germline. Affected: yes.

Counsyl
Classification: Uncertain significance for Juvenile polyposis syndrome. Last evaluated: 2018-06-05. Review status: no assertion criteria provided. Collection method: clinical testing. Allele origin: unknown. Not counted in ClinVar's aggregate classification.

Literature cited by the submitters: PubMed 25980754 (cited by 5 submitters); PubMed 25186627 (cited by 3 submitters); PubMed 27153395 (cited by 4 submitters); PubMed 28135145 (cited by 4 submitters); PubMed 30426508 (cited by 3 submitters); PubMed 31159747 (cited by 3 submitters); PubMed 33630411 (cited by Women's Health and Genetics/Laboratory Corporation of America, LabCorp).

NM_004329.3(BMPR1A):c.499A>G (p.Met167Val)

Gene: BMPR1A (bone morphogenetic protein receptor type 1A; plus strand). Cytogenetic location: 10q23.2.
Variant type: single nucleotide variant.
Coding change: c.499A>G on transcript NM_004329.3 (MANE Select); coding-DNA position 499, A replaced by G.
Protein change: p.Met167Val; replaces methionine 167 with valine.
Molecular consequence: missense variant.
Genome position (GRCh38, 1-based): chr10:86,900,095, A>G. VCF-style: chr10-86900095-A-G. GRCh37 (hg19) VCF-style: chr10-88659852-A-G.
Other names: short protein forms M167V.
Identifiers: ClinVar variation 188242 (VCV000188242.39), dbSNP rs200951235, ClinGen allele CA334421.